The following is an entry in ClinVar:

NM_006939.4(SOS2):c.3544C>A (p.Pro1182Thr)

Gene: SOS2 (SOS Ras/Rho guanine nucleotide exchange factor 2; minus strand). Cytogenetic location: 14q21.3.
Variant type: single nucleotide variant.
Coding change: c.3544C>A on transcript NM_006939.4 (MANE Select); coding-DNA position 3544, C replaced by A.
Protein change: p.Pro1182Thr; replaces proline 1182 with threonine.
Molecular consequence: missense variant.
Genome position (GRCh38, 1-based): chr14:50,118,799, G>T on the plus strand (C>A on the coding strand, the complement: SOS2 is on the minus strand). VCF-style: chr14-50118799-G-T. GRCh37 (hg19) VCF-style: chr14-50585517-G-T.
Other names: c.3445C>A, p.Pro1149Thr (NM_001411020.1); short protein forms P1149T, P1182T.
Identifiers: ClinVar variation 2738624 (VCV002738624.3), dbSNP rs775431214, ClinGen allele CA389638699.

ClinVar aggregate classification (germline): Uncertain significance (1 of 4 stars; one submission).

Conditions:
Noonan syndrome 9 (NS9). Identifiers: Orphanet 648, MedGen C4225282, MONDO:0014691, OMIM 616559.

Submission:

Labcorp Genetics (formerly Invitae), Labcorp
Classification: Uncertain significance for Noonan syndrome 9. Last evaluated: 2023-07-08. Review status: criteria provided, single submitter. Criteria: Invitae Variant Classification Sherloc (09022015). Collection method: clinical testing. Allele origin: germline.
Comment: In summary, the available evidence is currently insufficient to determine the role of this variant in disease. Therefore, it has been classified as a Variant of Uncertain Significance. Advanced modeling of protein sequence and biophysical properties (such as structural, functional, and spatial information, amino acid conservation, physicochemical variation, residue mobility, and thermodynamic stability) performed at Invitae indicates that this missense variant is not expected to disrupt SOS2 protein function. This variant has not been reported in the literature in individuals affected with SOS2-related conditions. This variant is not present in population databases (gnomAD no frequency). This sequence change replaces proline, which is neutral and non-polar, with threonine, which is neutral and polar, at codon 1182 of the SOS2 protein (p.Pro1182Thr).